The following is an entry in ClinVar:

NM_001242896.3(DEPDC5):c.3156-3C>T

Gene: DEPDC5 (DEP domain containing 5, GATOR1 subcomplex subunit; plus strand). Cytogenetic location: 22q12.3.
Variant type: single nucleotide variant.
Coding change: c.3156-3C>T on transcript NM_001242896.3 (MANE Select); 3 bases into the intron before coding-DNA position 3156, C replaced by T.
Molecular consequence: intron variant.
Genome position (GRCh38, 1-based): chr22:31,857,442, C>T. VCF-style: chr22-31857442-C-T. GRCh37 (hg19) VCF-style: chr22-32253428-C-T.
Other names: c.2922-3C>T (NM_001363854.2, NM_001242897.2, NM_001364319.2); c.3072-3C>T (NM_001369902.1, NM_001369901.1); c.3156-3C>T (NM_001364320.2, NM_001364318.2, NM_001363852.2); c.3129-3C>T (NM_001369903.1, NM_001136029.4, NM_014662.6).
Identifiers: ClinVar variation 1728232 (VCV001728232.2), dbSNP rs2521230214, ClinGen allele CA2580099615.

ClinVar aggregate classification (germline): Uncertain significance (1 of 4 stars; one submission).

Conditions:
Inborn genetic diseases. Identifiers: MedGen C0950123, MeSH D030342.

Submission:

Ambry Genetics
Classification: Uncertain significance for Inborn genetic diseases. Last evaluated: 2018-07-13. Review status: criteria provided, single submitter. Criteria: Ambry Variant Classification Scheme 2023. Collection method: clinical testing. Allele origin: germline.
Comment: The c.3156-3C>T intronic variant results from a C to T substitution 3 nucleotides upstream from coding exon 31 in the DEPDC5 gene. This nucleotide position is well conserved in available vertebrate species. Using the BDGP and ESEfinder splice site prediction tools, this alteration is not predicted to have any significant effect on this splice acceptor site; however, direct evidence is unavailable. Since supporting evidence is limited at this time, the clinical significance of this alteration remains unclear.